The following is an entry in ClinVar:

NM_000170.3(GLDC):c.2962C>T (p.Arg988Trp)

Gene: GLDC (glycine decarboxylase; minus strand). Cytogenetic location: 9p24.1.
Variant type: single nucleotide variant.
Coding change: c.2962C>T on transcript NM_000170.3 (MANE Select); coding-DNA position 2962, C replaced by T.
Protein change: p.Arg988Trp; replaces arginine 988 with tryptophan.
Molecular consequence: missense variant.
Genome position (GRCh38, 1-based): chr9:6,533,118, G>A on the plus strand (C>T on the coding strand, the complement: GLDC is on the minus strand). VCF-style: chr9-6533118-G-A. GRCh37 (hg19) VCF-style: chr9-6533118-G-A.
Other names: short protein forms R988W.
Identifiers: ClinVar variation 554524 (VCV000554524.16), dbSNP rs1288008254, ClinGen allele CA372881698.
Genomic context (GRCh38, chr9:6,533,118, plus strand): 5'-AAACTTCCATGGGTGGGCAGGTACAAACCAGGTGCTGATCTCCATATATGTCATCAATCC[G>A]GGCAATCGTTGGCCAGAATTTGTTCTCTGGTTTCACGAAGGGCTGCAAAGGACAAAAGAT-3'
Protein context (NP_000161.2, residues 978-998): PENKFWPTIA[Arg988Trp]IDDIYGDQHL

ClinVar aggregate classification (germline): Pathogenic/Likely pathogenic. Review status: criteria provided, multiple submitters, no conflicts (2 of 4 stars). 5 submissions from 5 submitters: Pathogenic (2); Likely pathogenic (2). 1 of the submissions does not count toward it. Last evaluated 2025-12-19.

Conditions:
Glycine encephalopathy 1 (GCE1). Identifiers: MedGen CN376801, MONDO:0958179, OMIM 605899.
Glycine encephalopathy. Also called: Non-ketotic hyperglycinemia; Nonketotic hyperglycinemia. Identifiers: Orphanet 407, MedGen C0751748, MONDO:0011612, HP:0008288.

gnomAD v4.1: 3 of 1,612,246 alleles (0.00019%); highest among the groups gnomAD compares: Non-Finnish European, 0.00025%; no homozygotes.

Submissions (5):

Labcorp Genetics (formerly Invitae), Labcorp
Classification: Pathogenic for Glycine encephalopathy. Last evaluated: 2025-12-19. Review status: criteria provided, single submitter. Criteria: Invitae Variant Classification Sherloc (09022015). Collection method: clinical testing. Allele origin: germline.
Comment: This sequence change replaces arginine, which is basic and polar, with tryptophan, which is neutral and slightly polar, at codon 988 of the GLDC protein (p.Arg988Trp). This variant is not present in population databases (gnomAD no frequency). This missense change has been observed in individual(s) with glycine encephalopathy (PMID: 27362913). In at least one individual the data is consistent with being in trans (on the opposite chromosome) from a pathogenic variant. ClinVar contains an entry for this variant (Variation ID: 554524). Invitae Evidence Modeling of protein sequence and biophysical properties (such as structural, functional, and spatial information, amino acid conservation, physicochemical variation, residue mobility, and thermodynamic stability) indicates that this missense variant is expected to disrupt GLDC protein function with a positive predictive value of 95%. For these reasons, this variant has been classified as Pathogenic.

Myriad Genetics, Inc.
Classification: Likely pathogenic for Glycine encephalopathy 1. Last evaluated: 2025-01-17. Review status: criteria provided, single submitter. Criteria: Myriad Autosomal Dominant, Autosomal Recessive and X-Linked Classification Criteria (2023). Collection method: clinical testing. Allele origin: unknown.
Comment: NM_000170.2(GLDC):c.2962C>T(R988W) is a missense variant classified as likely pathogenic in the context of GLDC-related glycine encephalopathy. R988W has been observed in cases with relevant disease (PMID: 27362913, 32486599). Relevant functional assessments of this variant are not available in the literature. Internal structural analysis of the variant is supportive of pathogenicity. R988W has not been observed in referenced population frequency databases. In summary, NM_000170.2(GLDC):c.2962C>T(R988W) is a missense variant that has internal structural support for pathogenicity and has been observed more frequently in cases with the relevant disease than in healthy populations. Please note: this variant was assessed in the context of healthy population screening.

Genomic Medicine Center of Excellence, King Faisal Specialist Hospital and Research Centre
Classification: Pathogenic for Glycine encephalopathy 1. Last evaluated: 2024-03-29. Review status: criteria provided, single submitter. Criteria: ACMG Guidelines, 2015. Collection method: clinical testing. Allele origin: germline.

Fulgent Genetics
Classification: Likely pathogenic for Glycine encephalopathy 1. Last evaluated: 2024-01-06. Review status: criteria provided, single submitter. Criteria: ACMG Guidelines, 2015. Collection method: clinical testing. Allele origin: germline.

Counsyl
Classification: Uncertain significance for Glycine encephalopathy 1. Last evaluated: 2017-10-24. Review status: no assertion criteria provided. Collection method: clinical testing. Allele origin: unknown. Not counted in ClinVar's aggregate classification.

Literature cited by the submitters: PubMed 27362913 (cited by 3 submitters); PubMed 32486599 (cited by Myriad Genetics, Inc.).